The following is an entry in ClinVar:

ClinVar aggregate classification (germline): Uncertain significance (1 of 4 stars; one submission).

gnomAD v4.1: 1 of 1,611,448 alleles (0.000062%); no homozygotes.

Submission:

Quest Diagnostics Nichols Institute San Juan Capistrano
Classification: Uncertain significance. Last evaluated: 2022-12-29. Review status: criteria provided, single submitter. Criteria: Quest Diagnostics criteria. Collection method: clinical testing. Allele origin: unknown.
Comment: This variant has not been reported in the published literature. It also has not been reported in large, multi-ethnic general populations. Analysis of this variant using bioinformatics tools for the prediction of the effect of amino acid changes on protein structure and function yielded predictions that this variant is benign. Based on the available information, we are unable to determine the clinical significance of this variant.

NM_002691.4(POLD1):c.1231C>G (p.Gln411Glu)

Gene: POLD1 (DNA polymerase delta 1, catalytic subunit; plus strand). Cytogenetic location: 19q13.33.
Variant type: single nucleotide variant.
Coding change: c.1231C>G on transcript NM_002691.4 (MANE Select); coding-DNA position 1231, C replaced by G.
Protein change: p.Gln411Glu; replaces glutamine 411 with glutamic acid.
Molecular consequence: missense variant. On other transcripts: non-coding transcript variant (1).
Genome position (GRCh38, 1-based): chr19:50,403,586, C>G. VCF-style: chr19-50403586-C-G. GRCh37 (hg19) VCF-style: chr19-50906843-C-G.
Other names: c.1231C>G, p.Gln411Glu (NM_001256849.1, NM_001308632.1); short protein forms Q411E.
Identifiers: ClinVar variation 2682048 (VCV002682048.1), dbSNP rs2513977599, ClinGen allele CA406978627.